The following is an entry in ClinVar:

NM_024570.4(RNASEH2B):c.127_130dup (p.Cys44fs)

Gene: RNASEH2B (ribonuclease H2 subunit B; plus strand). Cytogenetic location: 13q14.3.
Variant type: Duplication.
Coding change: c.127_130dup on transcript NM_024570.4 (MANE Select); coding-DNA positions 127 to 130, 4 bases duplicated (CCCT; older notation c.127_130dupCCCT).
Protein change: p.Cys44fs; shifts the reading frame from cysteine 44.
Molecular consequence: frameshift variant.
Genome position (GRCh38, 1-based): chr13:50,927,469-50,927,472, CCCT duplicated. VCF-style (leftmost placement, unchanged base first): chr13-50927468-C-CCCCT. GRCh37 (hg19) VCF-style: chr13-51501604-C-CCCCT.
Other names: c.127_130dup, p.Cys44fs (NM_001142279.2, NM_001411023.1); short protein forms C44fs.
Identifiers: ClinVar variation 5014253 (VCV005014253.1).

ClinVar aggregate classification (germline): Pathogenic (1 of 4 stars; one submission).

Conditions:
Aicardi-Goutieres syndrome 2. Identifiers: Orphanet 51, MedGen C3489724, MONDO:0012429, OMIM 610181.

Submission:

Myriad Genetics, Inc.
Classification: Pathogenic for Aicardi-Goutieres syndrome 2. Last evaluated: 2025-03-23. Review status: criteria provided, single submitter. Criteria: Myriad Autosomal Dominant, Autosomal Recessive and X-Linked Classification Criteria (2023). Collection method: clinical testing. Allele origin: unknown.
Comment: NM_024570.3(RNASEH2B):c.127_130dupCCCT(C44Sfs*20) is expected to be pathogenic in the context of Aicardi-Goutieres syndrome, RNASEH2B-related. This variant is predicted to lead to an abnormal or absent protein product due to the creation of a premature termination codon in RNASEH2B, a gene where loss-of-function variants are known to be pathogenic. Please note: this variant was assessed in the context of healthy population screening.